The following is an entry in ClinVar:

ClinVar aggregate classification (germline): Likely benign. Review status: criteria provided, multiple submitters, no conflicts (2 of 4 stars). 4 submissions from 4 submitters: Likely benign (4). Last evaluated 2026-07-01.

Conditions:
Spermatogenic failure 18. Identifiers: MedGen C4539783, MONDO:0054615, OMIM 617576.
Ciliary dyskinesia, primary, 37 (CILD37). Also called: CILIARY DYSKINESIA, PRIMARY, 37, WITH OR WITHOUT SITUS INVERSUS. Identifiers: MedGen C4539798, MONDO:0033204, OMIM 617577.

Allele frequency attached by ClinVar (database versions not stated): ESP Exome Variant Server 0.00016; gnomAD 0.00031 and 0.00035; TOPMed 0.00036; ExAC 0.00041; gnomAD exomes 0.00048 and 0.00063.
gnomAD v4.1: 976 of 1,614,090 alleles (0.06%); highest among the groups gnomAD compares: Middle Eastern, 0.35%; 2 homozygotes.

Submissions (4):

CeGaT Center for Human Genetics Tuebingen
Classification: Likely benign. Last evaluated: 2026-07-01. Review status: criteria provided, single submitter. Criteria: CeGaT Center For Human Genetics Tuebingen Variant Classification Criteria Version 2. Collection method: clinical testing. Allele origin: germline. Affected: yes. Observed: 2 variant alleles.
Comment: DNAH1: BP4, BP7

Labcorp Genetics (formerly Invitae), Labcorp
Classification: Likely benign for Ciliary dyskinesia, primary, 37; Spermatogenic failure 18. Last evaluated: 2025-12-23. Review status: criteria provided, single submitter. Criteria: Invitae Variant Classification Sherloc (09022015). Collection method: clinical testing. Allele origin: germline.

Blueprint Genetics
Classification: Likely benign. Last evaluated: 2024-11-25. Review status: criteria provided, single submitter. Criteria: ACMG Guidelines, 2015. Collection method: clinical testing. Allele origin: germline.

Breakthrough Genomics
Classification: Likely benign. Review status: criteria provided, single submitter. Criteria: ACMG Guidelines, 2015. Collection method: not provided. Allele origin: germline. Inheritance: Autosomal recessive inheritance. Affected: yes.

NM_015512.5(DNAH1):c.12315A>G (p.Gln4105=)

Gene: DNAH1 (dynein axonemal heavy chain 1; plus strand). Cytogenetic location: 3p21.1.
Variant type: single nucleotide variant.
Coding change: c.12315A>G on transcript NM_015512.5 (MANE Select); coding-DNA position 12315, A replaced by G.
Protein change: p.Gln4105=; no amino-acid change (glutamine 4105 retained).
Molecular consequence: synonymous variant.
Genome position (GRCh38, 1-based): chr3:52,399,075, A>G. VCF-style: chr3-52399075-A-G. GRCh37 (hg19) VCF-style: chr3-52433091-A-G.
Identifiers: ClinVar variation 478407 (VCV000478407.36), dbSNP rs201156071, ClinGen allele CA2436453.